The following is an entry in ClinVar:

NM_198506.5(LRIT3):c.1190T>C (p.Phe397Ser)

Gene: LRIT3 (leucine rich repeat, Ig-like and transmembrane domains 3; plus strand). Cytogenetic location: 4q25.
Variant type: single nucleotide variant.
Coding change: c.1190T>C on transcript NM_198506.5 (MANE Select); coding-DNA position 1190, T replaced by C.
Protein change: p.Phe397Ser; replaces phenylalanine 397 with serine.
Molecular consequence: missense variant.
Genome position (GRCh38, 1-based): chr4:109,869,939, T>C. VCF-style: chr4-109869939-T-C. GRCh37 (hg19) VCF-style: chr4-110791095-T-C.
Other names: short protein forms F397S.
Identifiers: ClinVar variation 1041184 (VCV001041184.5), dbSNP rs1473704125, ClinGen allele CA357870481.
Genomic context (GRCh38, chr4:109,869,939, plus strand): 5'-CATCTGTATCTAGCGCATCATCATATCTTTGGTCCTCTTCCTTCTCCCCCACATCTTCTT[T>C]TTCTGCTTCTACTTTGTCTCCTCCCTCTACTGCTTCCTTCTCTTTATCTCCTTTCTCCTC-3'
Protein context (NP_940908.3, residues 387-407): WSSSFSPTSS[Phe397Ser]SASTLSPPST

ClinVar aggregate classification (germline): Uncertain significance (1 of 4 stars; one submission).

Allele frequency attached by ClinVar (database versions not stated): gnomAD exomes below 0.00001; TOPMed below 0.00001; gnomAD 0.00001.
gnomAD v4.1: 8 of 1,606,148 alleles (0.0005%); highest among the groups gnomAD compares: Non-Finnish European, 0.0006%; no homozygotes.

Submission:

Labcorp Genetics (formerly Invitae), Labcorp
Classification: Uncertain significance. Last evaluated: 2021-01-30. Review status: criteria provided, single submitter. Criteria: Invitae Variant Classification Sherloc (09022015). Collection method: clinical testing. Allele origin: germline.
Comment: This sequence change replaces phenylalanine with serine at codon 397 of the LRIT3 protein (p.Phe397Ser). The phenylalanine residue is weakly conserved and there is a large physicochemical difference between phenylalanine and serine. This variant is not present in population databases (ExAC no frequency). This variant has not been reported in the literature in individuals with LRIT3-related conditions. Algorithms developed to predict the effect of missense changes on protein structure and function output the following: SIFT: "Tolerated"; PolyPhen-2: "Benign"; Align-GVGD: "Class C0". The serine amino acid residue is found in multiple mammalian species, suggesting that this missense change does not adversely affect protein function. These predictions have not been confirmed by published functional studies and their clinical significance is uncertain. In summary, the available evidence is currently insufficient to determine the role of this variant in disease. Therefore, it has been classified as a Variant of Uncertain Significance.